The following is an entry in ClinVar:

ClinVar aggregate classification (germline): Likely pathogenic (1 of 4 stars; one submission).

Conditions:
Familial adenomatous polyposis 1 (FAP1). Also called: POLYPOSIS, ADENOMATOUS INTESTINAL; FAMILIAL ADENOMATOUS POLYPOSIS 1, ATTENUATED. Identifiers: MedGen C2713442, MONDO:0021056, OMIM 175100. Disease mechanism: loss of function.

Submission:

Labcorp Genetics (formerly Invitae), Labcorp
Classification: Likely pathogenic for Familial adenomatous polyposis 1. Last evaluated: 2017-02-17. Review status: criteria provided, single submitter. Criteria: Invitae Variant Classification Sherloc (09022015). Collection method: clinical testing. Allele origin: germline.
Comment: This variant is a gross duplication of the genomic region encompassing exons 2-4 of the APC gene. The 5' end of this event is likely confined to intron 1 of the APC gene. The 3' boundary is likely confined to intron 4 of the APC gene. While the exact position of the duplicated exons cannot be determined from this data, the duplicated copy of this region is likely in tandem and may result in an absent or disrupted protein product. While this particular duplication has not been reported in the literature, loss-of-function variants including gross alterations in APC are known to be pathogenic (PMID: 23159591). In summary, sub-genic duplications are generally in tandem (PMID: 25640679), and result in an absent or disrupted protein. However, the exact location of this duplication has not been confirmed. Therefore, it has been classified as Likely Pathogenic.

Single allele

Gene: APC (APC regulator of Wnt signaling pathway; plus strand). Cytogenetic location: 5q22.2.
Variant type: Duplication.
Identifiers: ClinVar variation 469688 (VCV000469688.1).